The following is an entry in ClinVar:

ClinVar aggregate classification (germline): Uncertain significance. Review status: criteria provided, multiple submitters, no conflicts (2 of 4 stars). 4 submissions from 4 submitters: Uncertain significance (4). Last evaluated 2026-02-24.

Conditions:
MTOR-related disorder. Also called: MTOR-related condition.

Submissions (4):

PreventionGenetics, part of Exact Sciences
Classification: Uncertain significance for MTOR-related condition. Last evaluated: 2026-02-24. Review status: criteria provided, single submitter. Criteria: ACMG Guidelines, 2015. Collection method: clinical testing. Allele origin: germline.
Comment: The MTOR c.4325_4326delAG variant is predicted to result in a frameshift and premature protein termination (p.Glu1442Alafs*9). To our knowledge, this variant has not been reported in the literature or in a large population database (gnomAD), indicating this variant is rare. At this time, the clinical significance of this variant is uncertain due to the absence of conclusive functional and genetic evidence.

Labcorp Genetics (formerly Invitae), Labcorp
Classification: Uncertain significance. Last evaluated: 2024-05-21. Review status: criteria provided, single submitter. Criteria: Invitae Variant Classification Sherloc (09022015). Collection method: clinical testing. Allele origin: germline.
Comment: This sequence change creates a premature translational stop signal (p.Glu1442Alafs*9) in the MTOR gene. It is expected to result in an absent or disrupted protein product. However, the current clinical and genetic evidence is not sufficient to establish whether loss-of-function variants in MTOR cause disease. This variant is not present in population databases (gnomAD no frequency). This variant has not been reported in the literature in individuals affected with MTOR-related conditions. In summary, the available evidence is currently insufficient to determine the role of this variant in disease. Therefore, it has been classified as a Variant of Uncertain Significance.

Greenwood Genetic Center Diagnostic Laboratories, Greenwood Genetic Center
Classification: Uncertain significance. Last evaluated: 2022-10-27. Review status: criteria provided, single submitter. Criteria: ACMG Guidelines, 2015. Collection method: clinical testing. Allele origin: germline. Affected: yes.
Comment: Gene of Uncertain Significance

Blueprint Genetics
Classification: Uncertain significance. Last evaluated: 2022-10-19. Review status: criteria provided, single submitter. Criteria: ACMG Guidelines, 2015. Collection method: clinical testing. Allele origin: germline.

NM_004958.4(MTOR):c.4325_4326del (p.Glu1442fs)

Gene: MTOR (mechanistic target of rapamycin kinase; minus strand). Cytogenetic location: 1p36.22.
Variant type: Microsatellite.
Coding change: c.4325_4326del on transcript NM_004958.4 (MANE Select); coding-DNA positions 4325 to 4326, 2 bases deleted (AG; older notation c.4325_4326delAG).
Protein change: p.Glu1442fs; shifts the reading frame from glutamic acid 1442.
Molecular consequence: frameshift variant.
Genome position (GRCh38, 1-based): chr1:11,167,445-11,167,446, CT deleted on the plus strand (AG on the coding strand, the reverse complement: MTOR is on the minus strand); deleting any 2 consecutive bases within chr1:11,167,445-11,167,449 gives the same sequence; the c. name uses the placement nearest the transcript's 3' end. VCF-style (leftmost placement, unchanged base first): chr1-11167444-GCT-G. GRCh37 (hg19) VCF-style: chr1-11227501-GCT-G.
Other names: c.4325_4326delAG (NM_004958.3); c.4325_4326del, p.Glu1442fs (NM_001386500.1); c.3077_3078del, p.Glu1026fs (NM_001386501.1); short protein forms E1442fs, E1026fs.
Identifiers: ClinVar variation 1983279 (VCV001983279.10), dbSNP rs865839670, ClinGen allele CA17919711.
Genomic context (GRCh38, chr1:11,167,444, plus strand): 5'-AATAACTCCCTAGCCAAGTCTCTACCTCCTGCTTTTCCAAAAAGAATGAGGTGCTTACCA[GCT>G]CTCCAAAGTGTTTCATGGCATATTCTAACACTCCGGCCGCTGCCTCCGGCTGCTGTAGCT-3'